The following is an entry in ClinVar:

NM_020680.4(SCYL1):c.2302+14C>T

Gene: SCYL1 (SCY1 like pseudokinase 1; plus strand). Cytogenetic location: 11q13.1.
Variant type: single nucleotide variant.
Coding change: c.2302+14C>T on transcript NM_020680.4 (MANE Select); 14 bases into the intron after coding-DNA position 2302, C replaced by T.
Molecular consequence: intron variant.
Genome position (GRCh38, 1-based): chr11:65,538,338, C>T. VCF-style: chr11-65538338-C-T. GRCh37 (hg19) VCF-style: chr11-65305809-C-T.
Other names: c.2245-104C>T (NM_001411022.1); c.2251+14C>T (NM_001048218.2).
Identifiers: ClinVar variation 2672471 (VCV002672471.23), dbSNP rs2496081453, ClinGen allele CA475179440.

ClinVar aggregate classification (germline): Likely benign (1 of 4 stars; one submission).

Submission:

CeGaT Center for Human Genetics Tuebingen
Classification: Likely benign. Last evaluated: 2023-11-01. Review status: criteria provided, single submitter. Criteria: CeGaT Center For Human Genetics Tuebingen Variant Classification Criteria Version 2. Collection method: clinical testing. Allele origin: germline. Affected: yes. Observed: 1 variant allele.
Comment: SCYL1: PM2:Supporting, BP4, BP7